The following is an entry in ClinVar:

ClinVar aggregate classification (germline): Uncertain significance (1 of 4 stars; one submission).

Conditions:
Alstrom syndrome (ALMS). Identifiers: Orphanet 64, MedGen C0268425, MONDO:0008763, OMIM 203800.

gnomAD v4.1: 1 of 1,614,034 alleles (0.000062%); highest among the groups gnomAD compares: African/African-American, 0.0013%; no homozygotes.

Submission:

Labcorp Genetics (formerly Invitae), Labcorp
Classification: Uncertain significance for Alstrom syndrome. Last evaluated: 2025-09-10. Review status: criteria provided, single submitter. Criteria: Invitae Variant Classification Sherloc (09022015). Collection method: clinical testing. Allele origin: germline.
Comment: This sequence change replaces tyrosine, which is neutral and polar, with histidine, which is basic and polar, at codon 1807 of the ALMS1 protein (p.Tyr1807His). This variant is not present in population databases (gnomAD no frequency). This variant has not been reported in the literature in individuals affected with ALMS1-related conditions. Experimental studies and prediction algorithms are not available or were not evaluated, and the functional significance of this variant is currently unknown. In summary, the available evidence is currently insufficient to determine the role of this variant in disease. Therefore, it has been classified as a Variant of Uncertain Significance.

NM_001378454.1(ALMS1):c.5416T>C (p.Tyr1806His)

Gene: ALMS1 (ALMS1 centrosome and basal body associated protein; plus strand). Cytogenetic location: 2p13.1.
Variant type: single nucleotide variant.
Coding change: c.5416T>C on transcript NM_001378454.1 (MANE Select); coding-DNA position 5416, T replaced by C.
Protein change: p.Tyr1806His; replaces tyrosine 1806 with histidine.
Molecular consequence: missense variant.
Genome position (GRCh38, 1-based): chr2:73,451,943, T>C. VCF-style: chr2-73451943-T-C. GRCh37 (hg19) VCF-style: chr2-73679070-T-C.
Other names: c.5419T>C, p.Tyr1807His (NM_015120.4); short protein forms Y1806H, Y1807H.
Identifiers: ClinVar variation 4726942 (VCV004726942.1).